The following is an entry in ClinVar:

ClinVar aggregate classification (germline): Uncertain significance. Review status: criteria provided, multiple submitters, no conflicts (2 of 4 stars). 4 submissions from 4 submitters: Uncertain significance (3). 1 of the submissions does not count toward it. Last evaluated 2026-05-05.

Conditions:
Glycogen storage disease due to phosphoglycerate kinase 1 deficiency. Also called: PGK1 DEFICIENCY; PHOSPHOGLYCERATE KINASE 1 DEFICIENCY WITH LEVO-DOPA-RESPONSIVE PARKINSONISM. Identifiers: Orphanet 713, MedGen C1970848, MONDO:0010392, OMIM 300653.
PGK1-related disorder. Also called: PGK1-related condition.

Allele frequency attached by ClinVar (database versions not stated): TOPMed 0.00001; gnomAD exomes 0.00002; gnomAD 0.00002; ExAC 0.00003.
gnomAD v4.1: 22 of 1,209,419 alleles (0.0018%); highest among the groups gnomAD compares: Middle Eastern, 0.023%; no homozygotes.

Submissions (4):

Women's Health and Genetics/Laboratory Corporation of America, LabCorp
Classification: Uncertain significance. Last evaluated: 2026-05-05. Review status: criteria provided, single submitter. Criteria: LabCorp Variant Classification Summary - May 2015. Collection method: clinical testing. Allele origin: germline.
Comment: Variant summary: PGK1 c.278T>C (p.Val93Ala) results in a non-conservative amino acid change in the encoded protein sequence. Algorithms developed to predict the effect of missense changes on protein structure and function all suggest that this variant is likely to be disruptive. The variant allele was found at a frequency of 1.6e-05 in 183488 control chromosomes. The available data on variant occurrences in the general population are insufficient to allow any conclusion about variant significance. To our knowledge, no occurrence of c.278T>C in individuals affected with PGK1-related conditions and no experimental evidence demonstrating its impact on protein function have been reported. ClinVar contains an entry for this variant (Variation ID: 1922599). Based on the evidence outlined above, the variant was classified as uncertain significance.

Labcorp Genetics (formerly Invitae), Labcorp
Classification: Uncertain significance. Last evaluated: 2025-04-28. Review status: criteria provided, single submitter. Criteria: Invitae Variant Classification Sherloc (09022015). Collection method: clinical testing. Allele origin: germline.
Comment: This sequence change replaces valine, which is neutral and non-polar, with alanine, which is neutral and non-polar, at codon 93 of the PGK1 protein (p.Val93Ala). This variant is present in population databases (rs782807093, gnomAD 0.005%). This variant has not been reported in the literature in individuals affected with PGK1-related conditions. ClinVar contains an entry for this variant (Variation ID: 1922599). Invitae Evidence Modeling of protein sequence and biophysical properties (such as structural, functional, and spatial information, amino acid conservation, physicochemical variation, residue mobility, and thermodynamic stability) has been performed for this missense variant. However, the output from this modeling did not meet the statistical confidence thresholds required to predict the impact of this variant on PGK1 protein function. In summary, the available evidence is currently insufficient to determine the role of this variant in disease. Therefore, it has been classified as a Variant of Uncertain Significance.

Revvity Omics, Revvity
Classification: Uncertain significance for Glycogen storage disease due to phosphoglycerate kinase 1 deficiency. Last evaluated: 2023-07-19. Review status: criteria provided, single submitter. Criteria: ACMG Guidelines, 2015. Collection method: clinical testing. Allele origin: germline.

PreventionGenetics, part of Exact Sciences
Classification: Uncertain significance for PGK1-related condition. Last evaluated: 2024-04-23. Review status: no assertion criteria provided. Collection method: clinical testing. Allele origin: germline. Not counted in ClinVar's aggregate classification.
Comment: The PGK1 c.278T>C variant is predicted to result in the amino acid substitution p.Val93Ala. To our knowledge, this variant has not been reported in the literature. This variant is reported in 0.0037% of alleles in individuals of European (Non-Finnish) descent in gnomAD. At this time, the clinical significance of this variant is uncertain due to the absence of conclusive functional and genetic evidence.

NM_000291.4(PGK1):c.278T>C (p.Val93Ala)

Gene: PGK1 (phosphoglycerate kinase 1; plus strand). Cytogenetic location: Xq21.1.
Variant type: single nucleotide variant.
Coding change: c.278T>C on transcript NM_000291.4 (MANE Select); coding-DNA position 278, T replaced by C.
Protein change: p.Val93Ala; replaces valine 93 with alanine.
Molecular consequence: missense variant.
Genome position (GRCh38, 1-based): chrX:78,114,021, T>C. VCF-style: chrX-78114021-T-C. GRCh37 (hg19) VCF-style: chrX-77369518-T-C.
Other names: short protein forms V93A.
Identifiers: ClinVar variation 1922599 (VCV001922599.10), dbSNP rs782807093, ClinGen allele CA10459665.